The following is an entry in ClinVar:

NM_001267550.2(TTN):c.57311T>C (p.Val19104Ala)

Genes: TTN (titin; minus strand), TTN-AS1 (TTN antisense RNA 1; plus strand). Cytogenetic location: 2q31.2.
Variant type: single nucleotide variant.
Coding change: c.57311T>C on transcript NM_001267550.2 (MANE Select); coding-DNA position 57311, T replaced by C.
Protein change: p.Val19104Ala; replaces valine 19104 with alanine.
Molecular consequence: missense variant.
Genome position (GRCh38, 1-based): chr2:178,597,771, A>G on the plus strand (T>C on the coding strand, the complement: TTN is on the minus strand). VCF-style: chr2-178597771-A-G. GRCh37 (hg19) VCF-style: chr2-179462498-A-G.
Other names: c.52388T>C, p.Val17463Ala (NM_001256850.1); c.30116T>C, p.Val10039Ala (NM_003319.4); c.49607T>C, p.Val16536Ala (NM_133378.4); c.30491T>C, p.Val10164Ala (NM_133432.3); c.30692T>C, p.Val10231Ala (NM_133437.4); short protein forms V10039A, V10164A, V16536A, V10231A, V17463A, V19104A.
Identifiers: ClinVar variation 1798812 (VCV001798812.2), dbSNP rs776210519, ClinGen allele CA60974524.

ClinVar aggregate classification (germline): Uncertain significance (1 of 4 stars; one submission).

Conditions:
Cardiovascular phenotype. Identifiers: MedGen CN230736.

Allele frequency attached by ClinVar (database versions not stated): TOPMed 0.00002; gnomAD 0.00003.
gnomAD v4.1: 5 of 1,613,110 alleles (0.00031%); highest among the groups gnomAD compares: African/African-American, 0.0027%; no homozygotes.

Submission:

Ambry Genetics
Classification: Uncertain significance for Cardiovascular phenotype. Last evaluated: 2019-10-18. Review status: criteria provided, single submitter. Criteria: Ambry Variant Classification Scheme 2023. Collection method: clinical testing. Allele origin: germline.
Comment: The p.V10039A variant (also known as c.30116T>C), located in coding exon 121 of the TTN gene, results from a T to C substitution at nucleotide position 30116. The valine at codon 10039 is replaced by alanine, an amino acid with similar properties. This amino acid position is highly conserved in available vertebrate species. In addition, the in silico prediction for this alteration is inconclusive. Since supporting evidence is limited at this time, the clinical significance of this alteration remains unclear.